The following is an entry in ClinVar:

ClinVar aggregate classification (germline): Uncertain significance (1 of 4 stars; one submission).

Allele frequency attached by ClinVar (database versions not stated): ExAC 0.00001; gnomAD 0.00001; gnomAD exomes 0.00001 and 0.00004; TOPMed 0.00001; ESP Exome Variant Server 0.00008.
gnomAD v4.1: 56 of 1,614,034 alleles (0.0035%); highest among the groups gnomAD compares: Non-Finnish European, 0.0047%; no homozygotes.

Submission:

Labcorp Genetics (formerly Invitae), Labcorp
Classification: Uncertain significance. Last evaluated: 2024-10-21. Review status: criteria provided, single submitter. Criteria: Invitae Variant Classification Sherloc (09022015). Collection method: clinical testing. Allele origin: germline.
Comment: This sequence change falls in intron 2 of the SIAE gene. It does not directly change the encoded amino acid sequence of the SIAE protein. This variant is present in population databases (rs374856775, gnomAD 0.002%). This variant has not been reported in the literature in individuals affected with SIAE-related conditions. ClinVar contains an entry for this variant (Variation ID: 1356414). Algorithms developed to predict the effect of sequence changes on RNA splicing suggest that this variant may disrupt the consensus splice site. In summary, the available evidence is currently insufficient to determine the role of this variant in disease. Therefore, it has been classified as a Variant of Uncertain Significance.

NM_170601.5(SIAE):c.230-6T>C

Gene: SIAE (sialic acid acetylesterase; minus strand). Cytogenetic location: 11q24.2.
Variant type: single nucleotide variant.
Coding change: c.230-6T>C on transcript NM_170601.5 (MANE Select); 6 bases into the intron before coding-DNA position 230, T replaced by C.
Molecular consequence: intron variant.
Genome position (GRCh38, 1-based): chr11:124,660,809, A>G on the plus strand (T>C on the coding strand, the complement: SIAE is on the minus strand). VCF-style: chr11-124660809-A-G. GRCh37 (hg19) VCF-style: chr11-124530705-A-G.
Other names: c.125-6T>C (NM_001199922.2).
Identifiers: ClinVar variation 1356414 (VCV001356414.6), dbSNP rs374856775, ClinGen allele CA6341608.